The following is an entry in ClinVar:

ClinVar aggregate classification (germline): Uncertain significance. Review status: criteria provided, multiple submitters, no conflicts (2 of 4 stars). 3 submissions from 3 submitters: Uncertain significance (3). Last evaluated 2026-03-30.

Conditions:
Cardiovascular phenotype. Identifiers: MedGen CN230736.
Ehlers-Danlos syndrome, classic type, 1 (EDSCL1). Also called: Ehlers-Danlos syndrome, type 1; Ehlers-Danlos Syndrome, Classic Type, COL5A1-Related; EDS I; EHLERS-DANLOS SYNDROME, GRAVIS TYPE; EHLERS-DANLOS SYNDROME, SEVERE CLASSIC TYPE. Identifiers: MedGen C0268335, MONDO:0019567, OMIM 130000.
Osteogenesis imperfecta type I (OI1). Also called: Lobstein's Disease; Lobstein disease; Classic Non-deforming Osteogenesis Imperfecta with Blue Sclerae; OI, TYPE I; OSTEOGENESIS IMPERFECTA TARDA; OSTEOGENESIS IMPERFECTA WITH BLUE SCLERAE. Identifiers: Orphanet 216796, Orphanet 666, MedGen C0023931, MONDO:0008146, OMIM 166200. Disease mechanism: loss of function.

Allele frequency attached by ClinVar (database versions not stated): TOPMed below 0.00001.
gnomAD v4.1: 5 of 1,613,880 alleles (0.00031%); highest among the groups gnomAD compares: Non-Finnish European, 0.00042%; no homozygotes.

Submissions (3):

Ambry Genetics
Classification: Uncertain significance for Cardiovascular phenotype. Last evaluated: 2026-03-30. Review status: criteria provided, single submitter. Criteria: Ambry Variant Classification Scheme 2023. Collection method: clinical testing. Allele origin: germline.
Comment: The p.D1040Y variant (also known as c.3118G>T), located in coding exon 47 of the COL1A2 gene, results from a G to T substitution at nucleotide position 3118. The aspartic acid at codon 1040 is replaced by tyrosine, an amino acid with highly dissimilar properties. This amino acid position is conserved. In addition, this alteration is predicted to be deleterious by in silico analysis. Based on the available evidence, the clinical significance of this variant remains unclear.

GeneDx
Classification: Uncertain significance. Last evaluated: 2026-03-03. Review status: criteria provided, single submitter. Criteria: GeneDx Variant Classification Process June 2021. Collection method: clinical testing. Allele origin: germline.
Comment: Not observed at significant frequency in large population cohorts (gnomAD); In silico analysis supports that this missense variant has a deleterious effect on protein structure/function; Has not been previously published as pathogenic or benign to our knowledge; Occurs in the triple helical domain at the X position in the canonical Gly-X-Y repeat; although this variant may have an effect on normal protein folding and function, missense substitution at the X position is not a common mechanism of disease (HGMD)

Labcorp Genetics (formerly Invitae), Labcorp
Classification: Uncertain significance for Osteogenesis imperfecta type I; Ehlers-Danlos syndrome, classic type, 1. Last evaluated: 2026-02-01. Review status: criteria provided, single submitter. Criteria: Invitae Variant Classification Sherloc (09022015). Collection method: clinical testing. Allele origin: germline.
Comment: This sequence change replaces aspartic acid, which is acidic and polar, with tyrosine, which is neutral and polar, at codon 1040 of the COL1A2 protein (p.Asp1040Tyr). This variant is present in population databases (no rsID available, gnomAD 0.0009%). This variant has not been reported in the literature in individuals affected with COL1A2-related conditions. ClinVar contains an entry for this variant (Variation ID: 2926315). Invitae Evidence Modeling of protein sequence and biophysical properties (such as structural, functional, and spatial information, amino acid conservation, physicochemical variation, residue mobility, and thermodynamic stability) has been performed for this missense variant. However, the output from this modeling did not meet the statistical confidence thresholds required to predict the impact of this variant on COL1A2 protein function. Algorithms developed to predict the effect of sequence changes on RNA splicing suggest that this variant may disrupt the consensus splice site. In summary, the available evidence is currently insufficient to determine the role of this variant in disease. Therefore, it has been classified as a Variant of Uncertain Significance.

NM_000089.4(COL1A2):c.3118G>T (p.Asp1040Tyr)

Gene: COL1A2 (collagen type I alpha 2 chain; plus strand). Cytogenetic location: 7q21.3.
Variant type: single nucleotide variant.
Coding change: c.3118G>T on transcript NM_000089.4 (MANE Select); coding-DNA position 3118, G replaced by T.
Protein change: p.Asp1040Tyr; replaces aspartic acid 1040 with tyrosine.
Molecular consequence: missense variant.
Genome position (GRCh38, 1-based): chr7:94,427,020, G>T. VCF-style: chr7-94427020-G-T. GRCh37 (hg19) VCF-style: chr7-94056332-G-T.
Other names: short protein forms D1040Y.
Identifiers: ClinVar variation 2926315 (VCV002926315.5), dbSNP rs777241404, ClinGen allele CA368225312.
Genomic context (GRCh38, chr7:94,427,020, plus strand): 5'-TCTTGACATGTGCTCTGAAAGTGTGATTTTCCTCTTCTGTCTTTAAAGGGTCACCATGGT[G>T]ATCAAGGTGCTCCTGGCTCCGTGGGTCCTGCTGGTCCTAGGGTAGGTGGACTCAAGAGAA-3'
Protein context (NP_000080.2, residues 1030-1050): GLPGIAGHHG[Asp1040Tyr]QGAPGSVGPA